The following is an entry in ClinVar:

ClinVar aggregate classification (germline): Uncertain significance (1 of 4 stars; one submission).

Conditions:
Epidermolysis bullosa simplex 5B, with muscular dystrophy (EBS5B). Also called: EPIDERMOLYSIS BULLOSA SIMPLEX AND LIMB-GIRDLE MUSCULAR DYSTROPHY; Epidermolysis bullosa simplex with muscular dystrophy. Identifiers: Orphanet 257, MedGen C2931072, MONDO:0009181, OMIM 226670.
Epidermolysis bullosa simplex, Ogna type (EBS5A). Also called: Pidermolysis bullosa simplex 5A, Ogna type; EPIDERMOLYSIS BULLOSA SIMPLEX 5A, OGNA TYPE. Identifiers: Orphanet 79401, MedGen C0432317, MONDO:0007555, OMIM 131950.
Epidermolysis bullosa simplex 5C, with pyloric atresia (EBS5C). Also called: PLEC-Related Epidermolysis Bullosa with Pyloric Atresia; Epidermolysis bullosa simplex with pyloric atresia; PLEC1-Related Epidermolysis Bullosa with Pyloric Atresia. Identifiers: Orphanet 158684, MedGen C2677349, MONDO:0012807, OMIM 612138.
Autosomal recessive limb-girdle muscular dystrophy type 2Q (LGMDR17). Also called: MUSCULAR DYSTROPHY, LIMB-GIRDLE, AUTOSOMAL RECESSIVE 17. Identifiers: Orphanet 254361, MedGen C3150989, MONDO:0013390, OMIM 613723.
Epidermolysis bullosa simplex with nail dystrophy (EBS5D). Identifiers: MedGen C4225309, MONDO:0014661, OMIM 616487.

Allele frequency attached by ClinVar (database versions not stated): ExAC 0.00001; gnomAD 0.00001; TOPMed 0.00001.
gnomAD v4.1: 18 of 1,612,342 alleles (0.0011%); highest among the groups gnomAD compares: African/African-American, 0.0027%; no homozygotes.

Submission:

Labcorp Genetics (formerly Invitae), Labcorp
Classification: Uncertain significance for Autosomal recessive limb-girdle muscular dystrophy type 2Q; Epidermolysis bullosa simplex, Ogna type; Epidermolysis bullosa simplex with nail dystrophy; Epidermolysis bullosa simplex 5C, with pyloric atresia; Epidermolysis bullosa simplex 5B, with muscular dystrophy. Last evaluated: 2022-01-14. Review status: criteria provided, single submitter. Criteria: Invitae Variant Classification Sherloc (09022015). Collection method: clinical testing. Allele origin: germline.
Comment: This sequence change replaces arginine, which is basic and polar, with tryptophan, which is neutral and slightly polar, at codon 138 of the PLEC protein (p.Arg138Trp). This variant is present in population databases (rs781864799, gnomAD 0.003%). This variant has not been reported in the literature in individuals affected with PLEC-related conditions. Algorithms developed to predict the effect of missense changes on protein structure and function are either unavailable or do not agree on the potential impact of this missense change (SIFT: "Deleterious"; PolyPhen-2: "Not Available"; Align-GVGD: "Class C0"). In summary, the available evidence is currently insufficient to determine the role of this variant in disease. Therefore, it has been classified as a Variant of Uncertain Significance.

NM_201384.3(PLEC):c.331C>T (p.Arg111Trp)

Gene: PLEC (plectin; minus strand). Cytogenetic location: 8q24.3.
Variant type: single nucleotide variant.
Coding change: c.331C>T on transcript NM_201384.3 (MANE Select); coding-DNA position 331, C replaced by T.
Protein change: p.Arg111Trp; replaces arginine 111 with tryptophan.
Molecular consequence: missense variant.
Genome position (GRCh38, 1-based): chr8:143,937,176, G>A on the plus strand (C>T on the coding strand, the complement: PLEC is on the minus strand). VCF-style: chr8-143937176-G-A. GRCh37 (hg19) VCF-style: chr8-145011344-G-A.
Other names: c.412C>T, p.Arg138Trp (NM_000445.5, NM_001410941.1); c.289C>T, p.Arg97Trp (NM_201378.4); c.265C>T, p.Arg89Trp (NM_201379.3); c.742C>T, p.Arg248Trp (NM_201380.4); c.235C>T, p.Arg79Trp (NM_201381.3); c.331C>T, p.Arg111Trp (NM_201382.4); c.343C>T, p.Arg115Trp (NM_201383.3); short protein forms R89W, R138W, R97W, R111W, R115W, R248W, R79W.
Identifiers: ClinVar variation 2150782 (VCV002150782.4), dbSNP rs781864799, ClinGen allele CA4928496.